The following is an entry in ClinVar:

NM_017635.5(KMT5B):c.2164A>G (p.Arg722Gly)

Gene: KMT5B (lysine methyltransferase 5B; minus strand). Cytogenetic location: 11q13.2.
Variant type: single nucleotide variant.
Coding change: c.2164A>G on transcript NM_017635.5 (MANE Select); coding-DNA position 2164, A replaced by G.
Protein change: p.Arg722Gly; replaces arginine 722 with glycine.
Molecular consequence: missense variant.
Genome position (GRCh38, 1-based): chr11:68,158,182, T>C on the plus strand (A>G on the coding strand, the complement: KMT5B is on the minus strand). VCF-style: chr11-68158182-T-C. GRCh37 (hg19) VCF-style: chr11-67925649-T-C.
Other names: c.1648A>G, p.Arg550Gly (NM_001300907.1, NM_001369428.1, NM_001369429.1 and 4 more transcripts); c.1444A>G, p.Arg482Gly (NM_001300908.2); c.2164A>G, p.Arg722Gly (NM_001369426.1); short protein forms R482G, R722G, R550G.
Identifiers: ClinVar variation 4995168 (VCV004995168.1).
Genomic context (GRCh38, chr11:68,158,182, plus strand): 5'-TGGAAGAGTTCATTCCATCATTCTCTTGGTCATTTGTTTTGCTGCTGCTATCATGACGCC[T>C]ACGAAGAGTCAATTTGGGAATCCCAGAGTTATTTTCTAGGATTAACTGTGCATCATACCT-3'
Protein context (NP_060105.3, residues 712-732): NSGIPKLTLR[Arg722Gly]RHDSSSKTND

ClinVar aggregate classification (germline): Uncertain significance (1 of 4 stars; one submission).

Conditions:
KMT5B-related disorder. Also called: KMT5B-related condition.

Submission:

PreventionGenetics, part of Exact Sciences
Classification: Uncertain significance for KMT5B-related condition. Last evaluated: 2026-03-30. Review status: criteria provided, single submitter. Criteria: ACMG Guidelines, 2015. Collection method: clinical testing. Allele origin: germline.
Comment: The KMT5B c.2164A>G variant is predicted to result in the amino acid substitution p.Arg722Gly. To our knowledge, this variant has not been reported in the literature or in a large population database (gnomAD), indicating this variant is rare. At this time, the clinical significance of this variant is uncertain due to the absence of conclusive functional and genetic evidence.